The following is an entry in ClinVar:

ClinVar aggregate classification (germline): Likely pathogenic. Review status: criteria provided, single submitter (1 of 4 stars). 2 submissions from 2 submitters: Likely pathogenic (1). 1 of the submissions does not count toward it. Last evaluated 2025-12-26.

Conditions:
Niemann-Pick disease, type C1. Also called: NEUROVISCERAL STORAGE DISEASE WITH VERTICAL SUPRANUCLEAR OPHTHALMOPLEGIA; NIEMANN-PICK DISEASE WITH CHOLESTEROL ESTERIFICATION BLOCK; NIEMANN-PICK DISEASE WITHOUT SPHINGOMYELINASE DEFICIENCY; NIEMANN-PICK DISEASE, CHRONIC NEURONOPATHIC FORM; NIEMANN-PICK DISEASE, VARIANT TYPE C1. Identifiers: Orphanet 646, MedGen C3179455, MONDO:0009757, OMIM 257220.

gnomAD v4.1: 5 of 1,613,290 alleles (0.00031%); highest among the groups gnomAD compares: Non-Finnish European, 0.00042%; no homozygotes.

Submissions (2):

Natera, Inc.
Classification: Likely pathogenic for Niemann-Pick disease type C1. Last evaluated: 2025-12-26. Review status: criteria provided, single submitter. Criteria: Natera Variant Classification Schema (03/2026). Collection method: clinical testing. Allele origin: germline.
Comment: The c.3450C>A variant in NPC1 is a missense variant predicted to cause substitution of asparagine to lysine at amino acid 1150. This variant is rare in the general population with a frequency below the threshold expected for the associated phenotype(s). This variant has been observed in one or more individuals affected with the associated recessive disease, as either homozygous or compound heterozygous with a second variant (PMID: 26284228, 11349231). This variant has been observed to segregate in affected family members (PMID: 11349231). Computational prediction algorithms indicate this variant is likely to affect gene or protein function. Given the available evidence, this variant is classified as Likely Pathogenic.

Counsyl
Classification: Uncertain significance for Niemann-Pick disease, type C1. Last evaluated: 2017-04-18. Review status: no assertion criteria provided. Collection method: clinical testing. Allele origin: unknown. Not counted in ClinVar's aggregate classification.

Literature cited by the submitters: PubMed 26284228 (cited by Natera, Inc. and Counsyl); PubMed 11349231 (cited by Natera, Inc.); PubMed 12955717 (cited by Counsyl).

NM_000271.5(NPC1):c.3450C>A (p.Asn1150Lys)

Gene: NPC1 (NPC intracellular cholesterol transporter 1; minus strand). Cytogenetic location: 18q11.2.
Variant type: single nucleotide variant.
Coding change: c.3450C>A on transcript NM_000271.5 (MANE Select); coding-DNA position 3450, C replaced by A.
Protein change: p.Asn1150Lys; replaces asparagine 1150 with lysine.
Molecular consequence: missense variant.
Genome position (GRCh38, 1-based): chr18:23,535,496, G>T on the plus strand (C>A on the coding strand, the complement: NPC1 is on the minus strand). VCF-style: chr18-23535496-G-T. GRCh37 (hg19) VCF-style: chr18-21115460-G-T.
Other names: short protein forms N1150K.
Identifiers: ClinVar variation 551573 (VCV000551573.3), dbSNP rs34715591, ClinGen allele CA297079142.
Genomic context (GRCh38, chr18:23,535,496, plus strand): 5'-CTAGGGACAAACTGAGACTGTATGAGGACTCACCATCACCAGGTTGACCAAGGATACAGC[G>T]TTCAGACTGATGCCCCAGAGCCACATAACTCCAAACATGTTGACCAAGACCATGGCGATG-3'
Protein context (NP_000262.2, residues 1140-1160): GVMWLWGISL[Asn1150Lys]AVSLVNLVMS